The following is an entry in ClinVar:

ClinVar aggregate classification (germline): Uncertain significance. Review status: criteria provided, multiple submitters, no conflicts (2 of 4 stars). 2 submissions from 2 submitters: Uncertain significance (2). Last evaluated 2024-06-25.

Conditions:
Leber congenital amaurosis 3 (LCA3). Also called: SPATA7-Related Retinitis Pigmentosa. Identifiers: MedGen C1858677, MONDO:0011415, OMIM 604232.
Inborn genetic diseases. Identifiers: MedGen C0950123, MeSH D030342.

Allele frequency attached by ClinVar (database versions not stated): gnomAD 0.00001; gnomAD exomes 0.00001; TOPMed 0.00003.
gnomAD v4.1: 10 of 1,609,654 alleles (0.00062%); highest among the groups gnomAD compares: African/African-American, 0.0013%; no homozygotes.

Submissions (2):

Ambry Genetics
Classification: Uncertain significance for Inborn genetic diseases. Last evaluated: 2024-06-25. Review status: criteria provided, single submitter. Criteria: Ambry Variant Classification Scheme 2023. Collection method: clinical testing. Allele origin: germline.

Labcorp Genetics (formerly Invitae), Labcorp
Classification: Uncertain significance for Leber congenital amaurosis 3. Last evaluated: 2024-02-20. Review status: criteria provided, single submitter. Criteria: Invitae Variant Classification Sherloc (09022015). Collection method: clinical testing. Allele origin: germline.
Comment: This sequence change replaces valine, which is neutral and non-polar, with isoleucine, which is neutral and non-polar, at codon 66 of the SPATA7 protein (p.Val66Ile). This variant is present in population databases (no rsID available, gnomAD 0.01%). This variant has not been reported in the literature in individuals affected with SPATA7-related conditions. ClinVar contains an entry for this variant (Variation ID: 1418779). Advanced modeling of protein sequence and biophysical properties (such as structural, functional, and spatial information, amino acid conservation, physicochemical variation, residue mobility, and thermodynamic stability) performed at Invitae indicates that this missense variant is not expected to disrupt SPATA7 protein function with a negative predictive value of 80%. In summary, the available evidence is currently insufficient to determine the role of this variant in disease. Therefore, it has been classified as a Variant of Uncertain Significance.

NM_018418.5(SPATA7):c.196G>A (p.Val66Ile)

Gene: SPATA7 (spermatogenesis associated 7; plus strand). Cytogenetic location: 14q31.3.
Variant type: single nucleotide variant.
Coding change: c.196G>A on transcript NM_018418.5 (MANE Select); coding-DNA position 196, G replaced by A.
Protein change: p.Val66Ile; replaces valine 66 with isoleucine.
Molecular consequence: missense variant.
Genome position (GRCh38, 1-based): chr14:88,396,161, G>A. VCF-style: chr14-88396161-G-A. GRCh37 (hg19) VCF-style: chr14-88862505-G-A.
Other names: c.100G>A, p.Val34Ile (NM_001040428.4); c.196G>A (NM_018418.4); short protein forms V34I, V66I.
Identifiers: ClinVar variation 1418779 (VCV001418779.6), dbSNP rs958554500, ClinGen allele CA264508685.